The following is an entry in ClinVar:

ClinVar aggregate classification (germline): Uncertain significance. Review status: criteria provided, multiple submitters, no conflicts (2 of 4 stars). 9 submissions from 5 submitters: Uncertain significance (9). Last evaluated 2026-04-20.

Conditions:
Early-onset myopathy with fatal cardiomyopathy (CMYO5). Also called: CONGENITAL MYOPATHY 5 WITH CARDIOMYOPATHY; Salih Myopathy. Identifiers: Orphanet 289377, MedGen C2673677, MONDO:0012714, OMIM 611705. Disease mechanism: loss of function.
Myopathy, myofibrillar, 9, with early respiratory failure (MFM9). Also called: Myopathy, distal, with early respiratory failure, autosomal dominant; Hereditary myopathy with early respiratory failure; EDSTROM MYOPATHY; MYOPATHY, PROXIMAL, WITH EARLY RESPIRATORY MUSCLE INVOLVEMENT. Identifiers: Orphanet 178464, Orphanet 34521, MedGen C1863599, MONDO:0011362, OMIM 603689.
Autosomal recessive limb-girdle muscular dystrophy type 2J (LGMDR10). Also called: MUSCULAR DYSTROPHY, LIMB-GIRDLE, AUTOSOMAL RECESSIVE 10; Limb-girdle muscular dystrophy, type 2J. Identifiers: Orphanet 140922, MedGen C1837342, MONDO:0012127, OMIM 608807.
Tibial muscular dystrophy (TMD). Also called: Udd Distal Myopathy – Tibial Muscular Dystrophy; UDD MYOPATHY; Tibial muscular dystrophy, tardive. Identifiers: Orphanet 609, MedGen C1838244, MONDO:0010870, OMIM 600334.
Dilated cardiomyopathy 1G (CMD1G). Identifiers: Orphanet 154, MedGen C1858763, MONDO:0011400, OMIM 604145.

Allele frequency attached by ClinVar (database versions not stated): ExAC 0.00001; gnomAD 0.00002; gnomAD exomes 0.00002; TOPMed 0.00002.
gnomAD v4.1: 39 of 1,613,688 alleles (0.0024%); highest among the groups gnomAD compares: Admixed American, 0.0033%; no homozygotes.

Submissions (9):

Women's Health and Genetics/Laboratory Corporation of America, LabCorp
Classification: Uncertain significance. Last evaluated: 2026-04-20. Review status: criteria provided, single submitter. Criteria: LabCorp Variant Classification Summary - May 2015. Collection method: clinical testing. Allele origin: germline.
Comment: Variant summary: TTN c.91711A>G (p.Lys30571Glu) results in a conservative amino acid change in the encoded protein sequence. Algorithms developed to predict the effect of missense changes on protein structure and function are either unavailable or do not agree on the potential impact of this missense change. The variant allele was found at a frequency of 1.6e-05 in 248930 control chromosomes. The available data on variant occurrences in the general population are insufficient to allow any conclusion about variant significance. c.91711A>G has been observed in the presumed compound heterozygous state in at least 1 individual(s) affected with Autosomal Recessive Titinopathy (example, Avila-Polo_2018, Michael_2026). These data do not allow any conclusion about variant significance. To our knowledge, no experimental evidence demonstrating an impact on protein function has been reported. The following publications have been ascertained in the context of this evaluation (PMID: 30365001, 41159764). ClinVar contains an entry for this variant (Variation ID: 332707). Based on the evidence outlined above, the variant was classified as uncertain significance.

Revvity Omics, Revvity
Classification: Uncertain significance. Last evaluated: 2024-04-03. Review status: criteria provided, single submitter. Criteria: ACMG Guidelines, 2015. Collection method: clinical testing. Allele origin: germline.

Athena Diagnostics
Classification: Uncertain significance. Last evaluated: 2020-04-15. Review status: criteria provided, single submitter. Criteria: Athena Diagnostics Criteria. Collection method: clinical testing. Allele origin: unknown.

GeneDx
Classification: Uncertain significance. Last evaluated: 2019-09-06. Review status: criteria provided, single submitter. Criteria: GeneDx Variant Classification Process June 2021. Collection method: clinical testing. Allele origin: germline. Affected: yes.

Illumina Laboratory Services, Illumina
Classification: Uncertain significance for Early-onset myopathy with fatal cardiomyopathy. Last evaluated: 2018-01-13. Review status: criteria provided, single submitter. Criteria: ICSL Variant Classification Criteria 13 December 2019. Collection method: clinical testing. Allele origin: germline.

Illumina Laboratory Services, Illumina
Classification: Uncertain significance for Autosomal recessive limb-girdle muscular dystrophy type 2J. Last evaluated: 2018-01-13. Review status: criteria provided, single submitter. Criteria: ICSL Variant Classification Criteria 13 December 2019. Collection method: clinical testing. Allele origin: germline.

Illumina Laboratory Services, Illumina
Classification: Uncertain significance for Dilated cardiomyopathy 1G. Last evaluated: 2018-01-13. Review status: criteria provided, single submitter. Criteria: ICSL Variant Classification Criteria 13 December 2019. Collection method: clinical testing. Allele origin: germline.

Illumina Laboratory Services, Illumina
Classification: Uncertain significance for Tibial muscular dystrophy. Last evaluated: 2018-01-13. Review status: criteria provided, single submitter. Criteria: ICSL Variant Classification Criteria 13 December 2019. Collection method: clinical testing. Allele origin: germline.

Illumina Laboratory Services, Illumina
Classification: Uncertain significance for Myopathy, myofibrillar, 9, with early respiratory failure. Last evaluated: 2018-01-13. Review status: criteria provided, single submitter. Criteria: ICSL Variant Classification Criteria 13 December 2019. Collection method: clinical testing. Allele origin: germline.

Literature cited by the submitters: PubMed 30365001 (cited by Women's Health and Genetics/Laboratory Corporation of America, LabCorp and Athena Diagnostics); PubMed 41159764 (cited by Women's Health and Genetics/Laboratory Corporation of America, LabCorp).

NM_001267550.2(TTN):c.99415A>G (p.Lys33139Glu)

Genes: TTN (titin; minus strand), TTN-AS1 (TTN antisense RNA 1; plus strand). Cytogenetic location: 2q31.2.
Variant type: single nucleotide variant.
Coding change: c.99415A>G on transcript NM_001267550.2 (MANE Select); coding-DNA position 99415, A replaced by G.
Protein change: p.Lys33139Glu; replaces lysine 33139 with glutamic acid.
Molecular consequence: missense variant.
Genome position (GRCh38, 1-based): chr2:178,537,792, T>C on the plus strand (A>G on the coding strand, the complement: TTN is on the minus strand). VCF-style: chr2-178537792-T-C. GRCh37 (hg19) VCF-style: chr2-179402519-T-C.
Other names: c.94492A>G, p.Lys31498Glu (NM_001256850.1); c.72220A>G, p.Lys24074Glu (NM_003319.4); c.91711A>G, p.Lys30571Glu (NM_133378.4); c.72595A>G, p.Lys24199Glu (NM_133432.3); c.72796A>G, p.Lys24266Glu (NM_133437.4); short protein forms K33139E, K30571E, K31498E, K24074E, K24199E, K24266E.
Identifiers: ClinVar variation 332707 (VCV000332707.10), dbSNP rs779723670, ClinGen allele CA1986187.